The following continues an entry in ClinVar:

NM_000256.3(MYBPC3):c.1790G>A (p.Arg597Gln)

Gene: MYBPC3. ClinVar aggregate classification (germline): Pathogenic/Likely pathogenic. Pathogenic (9); Likely pathogenic (7).

Submissions 8 to 19 of 19:

Color Diagnostics, LLC DBA Color Health
Classification: Pathogenic for Cardiomyopathy. Last evaluated: 2024-09-09. Review status: criteria provided, single submitter. Criteria: ACMG Guidelines, 2015. Collection method: clinical testing. Allele origin: germline.
Comment: This variant changes the last nucleotide c.G of exon 18 of the MYBPC3 gene and is predicted to impair RNA splicing at the intron 18 splice donor site. Functional mini-gene assays have shown that this variant is expected to cause an out-of-frame skipping of exon 18 (PMID: 25849606, 28679633). This variant is expected to result in an absent or non-functional protein product. This variant has been reported in more than 10 unrelated individuals affected with hypertrophic cardiomyopathy (PMID: 22455086, 23674513, 24111713, 25086479, 25849606, 27532257, 27600940, 27885498, 29255176, 31110529, 31323898, 33495596, 33495597, 33732734, 36291626, 38757491, 25086479, 29255176, 37342443). It has been shown that this variant segregates with disease in multiple affected individuals across multiple families (PMID: 25086479, 29255176, 37342443). This variant has also been reported in an individual affected with left ventricular noncompaction (PMID: 37342443). This variant has been identified in 5/166884 chromosomes in the general population by the Genome Aggregation Database (gnomAD). Based on the available evidence, this variant is classified as Pathogenic.

All of Us Research Program, National Institutes of Health
Classification: Pathogenic for Hypertrophic cardiomyopathy. Last evaluated: 2024-09-02. Review status: criteria provided, single submitter. Criteria: ACMG Guidelines, 2015. Collection method: clinical testing. Allele origin: germline. Inheritance: Autosomal dominant inheritance. Observed: 3 variant alleles, 3 heterozygotes.
Comment: The c.1790G>A (p.Arg597Gln) variant of the MYBPC3 gene is predicted to replace arginine with glutamine at codon 597 of the MYBPC3 protein. This variant also falls at the last nucleotide of exon 18, which is part of the consensus splice site for this exon. Studies using in vitro hybrid minigene assays suggested aberrant splicing impact from the c.1790G>A variant and an altered mRNA splicing leading to a premature termination codon (PMID: 28679633). This variant has been observed in multiple individuals with hypertrophic cardiomyopathy (HCM) (PMID: 23674513, 24111713, 25086479, 27532257, 27600940, 22455086, 25849606). It has also been observed to segregate with disease in 1 affected relative (PMID: 25086479). This variant has been identified in 5/166884 chromosomes in the general population according to the Genome Aggregation Database (gnomAD). In silico splice site analysis predicts that this alteration may weaken the native splice donor site and may result in the creation or strengthening of a novel splice donor site. Based on these evidence, c.1790G>A (p.Arg597Gln) variant in MYBPC3 gene is interpreted as pathogenic.

This study involves interpretation of variants in research participants for the purpose of population health screening. Participant phenotype was not available at the time of variant classification. Additional details can be found in publication PMID: 35346344, PMCID: PMC8962531

Genomic Medicine Center of Excellence, King Faisal Specialist Hospital and Research Centre
Classification: Pathogenic for Hypertrophic cardiomyopathy 4. Last evaluated: 2024-03-29. Review status: criteria provided, single submitter. Criteria: ACMG Guidelines, 2015. Collection method: clinical testing. Allele origin: germline.

CHEO Genetics Diagnostic Laboratory, Children's Hospital of Eastern Ontario
Classification: Likely pathogenic for Cardiomyopathy. Last evaluated: 2021-10-19. Review status: criteria provided, single submitter. Criteria: ACMG Guidelines, 2015. Collection method: clinical testing. Allele origin: germline.

Laboratory for Molecular Medicine, Mass General Brigham Personalized Medicine
Classification: Likely pathogenic for Hypertrophic cardiomyopathy. Last evaluated: 2020-09-01. Review status: criteria provided, single submitter. Criteria: LMM Criteria. Collection method: clinical testing. Allele origin: germline. Observed: 4 variant alleles.
Comment: The p.Arg597Gln variant in MYBPC3 has been identified in at least 15 individuals with hypertrophic cardiomyopathy and segregated with disease in 1 affected relative (Berge 2014, Curila 2012, Chiou 2015, Millat 2015, Walsh 2016, LMM data, GeneDx pers. comm., Ambry pers comm., Invitae pers. comm., Stanford pers. comm., CHEO pers. comm, SHaRe database). The variant has been identified in 5/166884 chromosomes by gnomAD. This variant is located in the last three bases of the exon, which is part of the 5' splice region. An in vitro functional study showed that cells harboring this variant produced a shorter mRNA product than wild type cells, consistent with skipping of exon 18 (Millat 2015). Computational tools also suggest some impact to splicing. In summary, although additional studies are required to fully establish its clinical significance, this variant meets criteria to be classified as likely pathogenic for autosomal dominant HCM. ACMG/AMP Criteria applied: PS4, PS3_Supporting, PP3.

Rady Children's Institute for Genomic Medicine, Rady Children's Hospital San Diego
Classification: Likely pathogenic for MYBPC3-related cardiomyopathies. Last evaluated: 2020-05-23. Review status: criteria provided, single submitter. Criteria: ACMG Guidelines, 2015. Collection method: clinical testing. Allele origin: germline. Affected: yes.
Comment: This variant affects the last nucleotide of exon 18 of MYBPC3 gene and may therefore alter native splicing. This variant has been previously reported as a heterozygous change in patients with hypertrophic cardiomyopathy (PMID: 22455086, 25849606, 25086479, 27532257, 31006259). In-vitro studies in mammalian cells using a mini gene assays have shown that this missense change results in aberrant splicing (PMID: 25849606, 28679633). It is present in the heterozygous state in the gnomAD population database at a frequency of 0.003% (5/166884) and thus is presumed to be rare. The c.1790G>A (p.Arg597Gln) variant is predicted by multiple in silico tools to have a deleterious effect on protein function. Based on the available evidence, the c.1790G>A (p.Arg597Gln) variant is classified as Likely Pathogenic.

Center for Human Genetics, University of Leuven
Classification: Pathogenic for Hypertrophic cardiomyopathy. Last evaluated: 2017-02-09. Review status: criteria provided, single submitter. Criteria: ACMG Guidelines, 2015. Collection method: clinical testing. Allele origin: germline. Inheritance: Autosomal dominant inheritance. Affected: yes. Observed: 2 variant alleles.
Comment: ACMG score pathogenic

Juno Genomics, Hangzhou Juno Genomics, Inc
Classification: Likely pathogenic for Hypertrophic cardiomyopathy 4. Review status: criteria provided, single submitter. Criteria: ACMG Guidelines, 2015. Collection method: clinical testing. Allele origin: germline.
Comment: Absent from controls (or at extremely low frequency if recessive) in Genome Aggregation Database.;The prevalence of the variant in affected individuals is significantly increased compared to the prevalence in controls.;Patient's phenotype or family history is highly specific for a disease with a single genetic etiology.;Well-established in vitro or in vivo functional studies supportive of a damaging effect on the gene or gene product.

Neuberg Centre For Genomic Medicine, NCGM
Classification: Pathogenic for Left ventricular noncompaction 10. Review status: criteria provided, single submitter. Criteria: ACMG Guidelines, 2015. Collection method: clinical testing. Allele origin: germline. Inheritance: Autosomal dominant inheritance. Affected: yes.
Comment: The observed missense variant, splice region c.1790G>A(p.Arg597Gln) in MYBPC3 gene has been reported previously in multiple individuals with cardiomyopathy (Cecconi M, et al., 2016, Walsh R, et al., 2017). Experimental studies have shown that this variant affects the function of the gene (Millat G, et al., 2015). For these reasons, this variant has been classified as Pathogenic.

Clinical Genetics DNA and cytogenetics Diagnostics Lab, Erasmus MC, Erasmus Medical Center
Classification: Likely pathogenic. Review status: no assertion criteria provided. Collection method: clinical testing. Allele origin: germline. Affected: yes. Study: VKGL Data-share Consensus. Not counted in ClinVar's aggregate classification.

Joint Genome Diagnostic Labs from Nijmegen and Maastricht, Radboudumc and MUMC+
Classification: Likely pathogenic. Review status: no assertion criteria provided. Collection method: clinical testing. Allele origin: germline. Affected: yes. Study: VKGL Data-share Consensus. Not counted in ClinVar's aggregate classification.

Zaffran Lab, Genetics of Cardiac Diseases Laboratory, Marseille Medical Genetics
Classification: Pathogenic for hypertrophic cardiomyopathy. Review status: no assertion criteria provided. Collection method: research. Allele origin: unknown. Affected: yes. Not counted in ClinVar's aggregate classification.

Literature cited by the submitters: PubMed 23674513 (cited by 4 submitters); PubMed 24111713 (cited by 5 submitters); PubMed 25086479 (cited by 5 submitters); PubMed 27532257 (cited by 6 submitters); PubMed 27600940 (cited by 4 submitters); PubMed 17576681 (cited by Labcorp Genetics (formerly Invitae), Labcorp); PubMed 9536098 (cited by Labcorp Genetics (formerly Invitae), Labcorp); PubMed 25849606 (cited by 6 submitters); PubMed 28679633 (cited by 6 submitters); PubMed 2584960 (cited by Variantyx, Inc.); PubMed 37652022 (cited by Variantyx, Inc.); PubMed 32841044 (cited by Victorian Clinical Genetics Services, Murdoch Childrens Research Institute); PubMed 22455086 (cited by 4 submitters); PubMed 29255176 (cited by Ambry Genetics and Color Diagnostics, LLC DBA Color Health); PubMed 31006259 (cited by Ambry Genetics); PubMed 31110529 (cited by Ambry Genetics and Color Diagnostics, LLC DBA Color Health); PubMed 31323898 (cited by Ambry Genetics and Color Diagnostics, LLC DBA Color Health); PubMed 35653365 (cited by Ambry Genetics); PubMed 36264615 (cited by Ambry Genetics); PubMed 27885498 (cited by Color Diagnostics, LLC DBA Color Health); PubMed 33495596 (cited by Color Diagnostics, LLC DBA Color Health); PubMed 33495597 (cited by Color Diagnostics, LLC DBA Color Health); PubMed 33732734 (cited by Color Diagnostics, LLC DBA Color Health); PubMed 36291626 (cited by Color Diagnostics, LLC DBA Color Health); PubMed 37342443 (cited by Color Diagnostics, LLC DBA Color Health); PubMed 38757491 (cited by Color Diagnostics, LLC DBA Color Health).